The following is an entry in ClinVar:

ClinVar aggregate classification (germline): Uncertain significance (1 of 4 stars; one submission).

Allele frequency attached by ClinVar (database versions not stated): TOPMed below 0.00001.

Submission:

GeneDx
Classification: Uncertain significance. Last evaluated: 2019-07-10. Review status: criteria provided, single submitter. Criteria: GeneDx Variant Classification Process June 2021. Collection method: clinical testing. Allele origin: germline. Affected: yes.
Comment: Not observed in large population cohorts (Lek et al., 2016); In silico analysis, which includes protein predictors and evolutionary conservation, supports that this variant does not alter protein structure/function; Has not been previously published as pathogenic or benign to our knowledge

NM_018136.5(ASPM):c.8998G>A (p.Val3000Met)

Gene: ASPM (assembly factor for spindle microtubules; minus strand). Cytogenetic location: 1q31.3.
Variant type: single nucleotide variant.
Coding change: c.8998G>A on transcript NM_018136.5 (MANE Select); coding-DNA position 8998, G replaced by A.
Protein change: p.Val3000Met; replaces valine 3000 with methionine.
Molecular consequence: missense variant.
Genome position (GRCh38, 1-based): chr1:197,094,170, C>T on the plus strand (G>A on the coding strand, the complement: ASPM is on the minus strand). VCF-style: chr1-197094170-C-T. GRCh37 (hg19) VCF-style: chr1-197063300-C-T.
Other names: c.4243G>A, p.Val1415Met (NM_001206846.2); short protein forms V1415M, V3000M.
Identifiers: ClinVar variation 1306935 (VCV001306935.2), dbSNP rs1280148234, ClinGen allele CA344009182.